The following is an entry in ClinVar:

NM_000726.5(CACNB4):c.209G>A (p.Arg70Gln)

Gene: CACNB4 (calcium voltage-gated channel auxiliary subunit beta 4; minus strand). Cytogenetic location: 2q23.3.
Variant type: single nucleotide variant.
Coding change: c.209G>A on transcript NM_000726.5 (MANE Select); coding-DNA position 209, G replaced by A.
Protein change: p.Arg70Gln; replaces arginine 70 with glutamine.
Molecular consequence: missense variant. On other transcripts: 5 prime UTR variant (2).
Genome position (GRCh38, 1-based): chr2:151,883,309, C>T on the plus strand (G>A on the coding strand, the complement: CACNB4 is on the minus strand). VCF-style: chr2-151883309-C-T. GRCh37 (hg19) VCF-style: chr2-152739823-C-T.
Other names: c.155G>A, p.Arg52Gln (NM_001330113.2, NM_001005746.4); c.-426G>A (NM_001330114.2); c.107G>A, p.Arg36Gln (NM_001330115.2, NM_001005747.4); c.68G>A, p.Arg23Gln (NM_001330116.2, NM_001330118.2, NM_001320722.3); c.-350G>A (NM_001330117.2); c.209G>A, p.Arg70Gln (NM_001145798.3); short protein forms R70Q, R23Q, R52Q, R36Q.
Identifiers: ClinVar variation 420279 (VCV000420279.4), dbSNP rs772769233, ClinGen allele CA1912673.

ClinVar aggregate classification (germline): Uncertain significance (1 of 4 stars; one submission).

Allele frequency attached by ClinVar (database versions not stated): gnomAD 0.00001; TOPMed 0.00002.
gnomAD v4.1: 5 of 1,613,640 alleles (0.00031%); highest among the groups gnomAD compares: African/African-American, 0.004%; no homozygotes.

Submission:

GeneDx
Classification: Uncertain significance. Last evaluated: 2022-04-22. Review status: criteria provided, single submitter. Criteria: GeneDx Variant Classification Process June 2021. Collection method: clinical testing. Allele origin: germline. Affected: yes.
Comment: In silico analysis supports that this missense variant has a deleterious effect on protein structure/function; Has not been previously published as pathogenic or benign to our knowledge